The following is an entry in ClinVar:

ClinVar aggregate classification (germline): Uncertain significance (1 of 4 stars; one submission).

Submission:

GeneDx
Classification: Uncertain significance. Last evaluated: 2023-05-09. Review status: criteria provided, single submitter. Criteria: GeneDx Variant Classification Process June 2021. Collection method: clinical testing. Allele origin: germline. Affected: yes.
Comment: Not observed at significant frequency in large population cohorts (gnomAD); In silico analysis supports that this missense variant has a deleterious effect on protein structure/function; Has not been previously published as pathogenic or benign to our knowledge

NM_001007527.2(LMBRD2):c.145G>T (p.Val49Phe)

Gene: LMBRD2 (LMBR1 domain containing 2; minus strand). Cytogenetic location: 5p13.2.
Variant type: single nucleotide variant.
Coding change: c.145G>T on transcript NM_001007527.2 (MANE Select); coding-DNA position 145, G replaced by T.
Protein change: p.Val49Phe; replaces valine 49 with phenylalanine.
Molecular consequence: missense variant.
Genome position (GRCh38, 1-based): chr5:36,143,205, C>A on the plus strand (G>T on the coding strand, the complement: LMBRD2 is on the minus strand). VCF-style: chr5-36143205-C-A. GRCh37 (hg19) VCF-style: chr5-36143307-C-A.
Other names: short protein forms V49F.
Identifiers: ClinVar variation 2662066 (VCV002662066.1), dbSNP rs1744459273, ClinGen allele CA359454536.